The following is an entry in ClinVar:

ClinVar aggregate classification (germline): Uncertain significance. Review status: criteria provided, multiple submitters, no conflicts (2 of 4 stars). 2 submissions from 2 submitters: Uncertain significance (2). Last evaluated 2025-02-24.

Conditions:
Inborn genetic diseases. Identifiers: MedGen C0950123, MeSH D030342.

gnomAD v4.1: 7 of 1,614,072 alleles (0.00043%); highest among the groups gnomAD compares: Admixed American, 0.0033%; no homozygotes.

Submissions (2):

Labcorp Genetics (formerly Invitae), Labcorp
Classification: Uncertain significance. Last evaluated: 2025-02-24. Review status: criteria provided, single submitter. Criteria: Invitae Variant Classification Sherloc (09022015). Collection method: clinical testing. Allele origin: germline.
Comment: This sequence change replaces serine, which is neutral and polar, with tyrosine, which is neutral and polar, at codon 586 of the HSPG2 protein (p.Ser586Tyr). This variant is present in population databases (rs148673710, gnomAD 0.006%). This variant has not been reported in the literature in individuals affected with HSPG2-related conditions. ClinVar contains an entry for this variant (Variation ID: 1935040). An algorithm developed to predict the effect of missense changes on protein structure and function (PolyPhen-2) suggests that this variant is likely to be disruptive. In summary, the available evidence is currently insufficient to determine the role of this variant in disease. Therefore, it has been classified as a Variant of Uncertain Significance.

Ambry Genetics
Classification: Uncertain significance for Inborn genetic diseases. Last evaluated: 2024-07-30. Review status: criteria provided, single submitter. Criteria: Ambry Variant Classification Scheme 2023. Collection method: clinical testing. Allele origin: germline.

NM_005529.7(HSPG2):c.1757C>A (p.Ser586Tyr)

Gene: HSPG2 (heparan sulfate proteoglycan 2; minus strand). Cytogenetic location: 1p36.12.
Variant type: single nucleotide variant.
Coding change: c.1757C>A on transcript NM_005529.7 (MANE Select); coding-DNA position 1757, C replaced by A.
Protein change: p.Ser586Tyr; replaces serine 586 with tyrosine.
Molecular consequence: missense variant.
Genome position (GRCh38, 1-based): chr1:21,881,400, G>T on the plus strand (C>A on the coding strand, the complement: HSPG2 is on the minus strand). VCF-style: chr1-21881400-G-T. GRCh37 (hg19) VCF-style: chr1-22207893-G-T.
Other names: c.1760C>A, p.Ser587Tyr (NM_001291860.2); c.1757C>A (NM_005529.5); short protein forms S586Y, S587Y.
Identifiers: ClinVar variation 1935040 (VCV001935040.4), dbSNP rs148673710, ClinGen allele CA673312.
Genomic context (GRCh38, chr1:21,881,400, plus strand): 5'-TTGTTGCCCAGGAACTGTTCAGGCAGAGCCCAGAAGGAGTCGTGGACGAGGAAGCGGCGG[G>T]ACAGGTCGACTAGCTGGAACTCGTGCAGGGATGGGTCGATCTGCAGCTGCGTGGAGGAGA-3'
Protein context (NP_005520.4, residues 576-596): SLHEFQLVDL[Ser586Tyr]RRFLVHDSFW